The following is an entry in ClinVar:

ClinVar aggregate classification (germline): Benign/Likely benign. Review status: criteria provided, multiple submitters, no conflicts (2 of 4 stars). 15 submissions from 15 submitters: Benign (12); Likely benign (1). 2 of the submissions do not count toward it. Last evaluated 2026-02-04.

Conditions:
Bloom syndrome (BLM). Also called: Bloom-Torre-Machacek syndrome. Identifiers: Orphanet 125, MedGen C0005859, MONDO:0008876, OMIM 210900.
Hereditary cancer-predisposing syndrome. Also called: Neoplastic Syndromes, Hereditary; Hereditary Cancer Syndrome; Tumor predisposition; Hereditary neoplastic syndrome. Identifiers: Orphanet 140162, MedGen C0027672, MeSH D009386, MONDO:0015356.

Allele frequency attached by ClinVar (database versions not stated): 1000 Genomes Project 0.15116; 1000 Genomes Project 30x 0.15506; gnomAD exomes 0.15644 and 0.17142; ExAC 0.16113; TOPMed 0.16994; gnomAD 0.17282 and 0.17570; ESP Exome Variant Server 0.18455.
gnomAD v4.1: 274,818 of 1,604,120 alleles (17%); highest among the groups gnomAD compares: African/African-American, 18%; 24,300 homozygotes.

Submissions (15):

Labcorp Genetics (formerly Invitae), Labcorp
Classification: Benign for Bloom syndrome. Last evaluated: 2026-02-04. Review status: criteria provided, single submitter. Criteria: Invitae Variant Classification Sherloc (09022015). Collection method: clinical testing. Allele origin: germline.

ARUP Laboratories, Molecular Genetics and Genomics, ARUP Laboratories
Classification: Benign for Bloom syndrome. Last evaluated: 2025-07-28. Review status: criteria provided, single submitter. Criteria: ARUP Molecular Germline Variant Investigation Process 2024. Collection method: clinical testing. Allele origin: germline.

GeneKor MSA
Classification: Benign for Hereditary cancer-predisposing syndrome. Last evaluated: 2025-07-10. Review status: criteria provided, single submitter. Criteria: ACMG Guidelines, 2015. Collection method: clinical testing. Allele origin: germline.

Blueprint Genetics
Classification: Likely benign. Last evaluated: 2024-11-27. Review status: criteria provided, single submitter. Criteria: ACMG Guidelines, 2015. Collection method: clinical testing. Allele origin: germline.

KCCC/NGS Laboratory, Kuwait Cancer Control Center
Classification: Benign for Bloom syndrome. Last evaluated: 2023-07-07. Review status: criteria provided, single submitter. Criteria: ACMG Guidelines, 2015. Collection method: clinical testing. Allele origin: germline. Affected: yes.

Mayo Clinic Laboratories, Mayo Clinic
Classification: Benign. Last evaluated: 2022-09-06. Review status: criteria provided, single submitter. Criteria: ACMG Guidelines, 2015. Collection method: clinical testing. Allele origin: germline. Observed: 85 variant alleles.

Genome-Nilou Lab
Classification: Benign for Bloom syndrome. Last evaluated: 2021-07-01. Review status: criteria provided, single submitter. Criteria: ACMG Guidelines, 2015. Collection method: clinical testing. Allele origin: germline. Affected: no.

Illumina Laboratory Services, Illumina
Classification: Benign for Bloom syndrome. Last evaluated: 2018-01-12. Review status: criteria provided, single submitter. Criteria: ICSL Variant Classification Criteria 13 December 2019. Collection method: clinical testing. Allele origin: germline.
Comment: This variant was observed in the ICSL laboratory as part of a predisposition screen in an ostensibly healthy population. It had not been previously curated by ICSL or reported in the Human Gene Mutation Database (HGMD: prior to June 1st, 2018), and was therefore a candidate for classification through an automated scoring system. Utilizing variant allele frequency, disease prevalence and penetrance estimates, and inheritance mode, an automated score was calculated to assess if this variant is too frequent to cause the disease. Based on the score and internal cut-off values, a variant classified as benign is not then subjected to further curation. The score for this variant resulted in a classification of benign for this disease.

Ambry Genetics
Classification: Benign for Hereditary cancer-predisposing syndrome. Last evaluated: 2016-08-10. Review status: criteria provided, single submitter. Criteria: Ambry Variant Classification Scheme 2023. Collection method: clinical testing. Allele origin: germline.

Laboratory for Molecular Medicine, Mass General Brigham Personalized Medicine
Classification: Benign. Last evaluated: 2016-03-28. Review status: criteria provided, single submitter. Criteria: LMM Criteria. Collection method: clinical testing. Allele origin: germline.
Comment: Variant identified in a genome or exome case(s) and assessed due to predicted null impact of the variant or pathogenic assertions in the literature or databases. Disclaimer: This variant has not undergone full assessment. The following are preliminary notes: Frequency

Eurofins Ntd Llc (ga)
Classification: Benign. Last evaluated: 2013-07-29. Review status: criteria provided, single submitter. Criteria: EGL Classification Definitions 2015. Collection method: clinical testing. Allele origin: germline. Observed: 6 variant alleles, 6 heterozygotes.

Breakthrough Genomics
Classification: Benign. Review status: criteria provided, single submitter. Criteria: ACMG Guidelines, 2015. Collection method: not provided. Allele origin: germline. Inheritance: Autosomal recessive inheritance. Affected: yes.

PreventionGenetics, part of Exact Sciences
Classification: Benign. Review status: criteria provided, single submitter. Criteria: ACMG Guidelines, 2015. Collection method: clinical testing. Allele origin: germline.

Natera, Inc.
Classification: Benign for Bloom syndrome. Last evaluated: 2017-03-28. Review status: no assertion criteria provided. Collection method: clinical testing. Allele origin: germline. Not counted in ClinVar's aggregate classification.

Genetic Services Laboratory, University of Chicago
Classification: Likely benign for AllHighlyPenetrant. Review status: no assertion criteria provided. Collection method: clinical testing. Allele origin: germline. Inheritance: Autosomal recessive inheritance. Not counted in ClinVar's aggregate classification.
Comment: Likely benign based on allele frequency in 1000 Genomes Project or ESP global frequency and its presence in a patient with a rare or unrelated disease phenotype. NOT Sanger confirmed.

NM_000057.4(BLM):c.3102G>A (p.Thr1034=)

Gene: BLM (BLM RecQ like helicase; plus strand). Cytogenetic location: 15q26.1.
Variant type: single nucleotide variant.
Coding change: c.3102G>A on transcript NM_000057.4 (MANE Select); coding-DNA position 3102, G replaced by A.
Protein change: p.Thr1034=; no amino-acid change (threonine 1034 retained).
Molecular consequence: synonymous variant.
Genome position (GRCh38, 1-based): chr15:90,794,249, G>A. VCF-style: chr15-90794249-G-A. GRCh37 (hg19) VCF-style: chr15-91337479-G-A.
Other names: p.Thr1034=; c.3102G>A, p.Thr1034= (NM_001287246.2, NM_001287247.2); c.1977G>A, p.Thr659= (NM_001287248.2).
Identifiers: ClinVar variation 92394 (VCV000092394.45), dbSNP rs2227933, ClinGen allele CA145695.